The following is an entry in ClinVar:

NM_170707.4(LMNA):c.238G>T (p.Ala80Ser)

Gene: LMNA (lamin A/C; plus strand). Cytogenetic location: 1q22.
Variant type: single nucleotide variant.
Coding change: c.238G>T on transcript NM_170707.4 (MANE Select); coding-DNA position 238, G replaced by T.
Protein change: p.Ala80Ser; replaces alanine 80 with serine.
Molecular consequence: missense variant. On other transcripts: 5 prime UTR variant (8), intron variant (2).
Genome position (GRCh38, 1-based): chr1:156,115,156, G>T. VCF-style: chr1-156115156-G-T. GRCh37 (hg19) VCF-style: chr1-156084947-G-T.
Other names: c.238G>T, p.Ala80Ser (NM_001282625.2, NM_001282626.2, NM_001406983.1 and 6 more transcripts); c.-186G>T (NM_001406986.1); c.-164G>T (NM_001406990.1, NM_001406995.1, NM_001407002.1); c.-427G>T (NM_001406994.1, NM_001407000.1); c.-607G>T (NM_001406999.1); c.-270G>T (NM_001407001.1); c.-203+8333G>T (NM_001406993.1, NM_001407003.1); short protein forms A80S.
Identifiers: ClinVar variation 3290959 (VCV003290959.1).

ClinVar aggregate classification (germline): Uncertain significance (1 of 4 stars; one submission).

Conditions:
Cardiovascular phenotype. Identifiers: MedGen CN230736.

Submission:

Ambry Genetics
Classification: Uncertain significance for Cardiovascular phenotype. Last evaluated: 2024-05-03. Review status: criteria provided, single submitter. Criteria: Ambry Variant Classification Scheme 2023. Collection method: clinical testing. Allele origin: germline.
Comment: The p.A80S variant (also known as c.238G>T), located in coding exon 1 of the LMNA gene, results from a G to T substitution at nucleotide position 238. The alanine at codon 80 is replaced by serine, an amino acid with similar properties. This amino acid position is well conserved in available vertebrate species. In addition, the in silico prediction for this alteration is inconclusive. Based on the available evidence, the clinical significance of this variant remains unclear.